The following is an entry in ClinVar:

ClinVar aggregate classification (germline): Uncertain significance (1 of 4 stars; one submission).

Conditions:
Facioscapulohumeral muscular dystrophy 2 (FSHD2). Also called: FACIOSCAPULOHUMERAL MUSCULAR DYSTROPHY 2, DIGENIC; FSHD2, DIGENIC; MUSCULAR DYSTROPHY, FACIOSCAPULOHUMERAL, TYPE 1B. Identifiers: Orphanet 269, MedGen C1834671, MONDO:0008031, OMIM 158901.

Submission:

Labcorp Genetics (formerly Invitae), Labcorp
Classification: Uncertain significance for Facioscapulohumeral muscular dystrophy 2. Last evaluated: 2021-08-21. Review status: criteria provided, single submitter. Criteria: Invitae Variant Classification Sherloc (09022015). Collection method: clinical testing. Allele origin: germline.
Comment: This variant results in a copy number gain of the genomic region encompassing exon(s) 46-48 of the SMCHD1 gene. This region includes the termination codon of the gene. This copy number gain extends beyond the assayed region for this gene and therefore may encompass additional genes. As the precise location of this event is unknown, it may be in tandem or it may be located elsewhere in the genome. This variant has not been reported in the literature in individuals affected with SMCHD1-related conditions. Experimental studies and prediction algorithms are not available or were not evaluated, and the functional significance of this variant is currently unknown. In summary, the available evidence is currently insufficient to determine the role of this variant in disease. Therefore, it has been classified as a Variant of Uncertain Significance.

NC_000018.9:g.(?_2795927)_(2802550_?)dup

Gene: SMCHD1 (structural maintenance of chromosomes flexible hinge domain containing 1; plus strand). Cytogenetic location: 18p11.32.
Variant type: Duplication.
Identifiers: ClinVar variation 1411941 (VCV001411941.4).